The following is an entry in ClinVar:

NM_007078.3(LDB3):c.1655G>T (p.Gly552Val)

Gene: LDB3 (LIM domain binding 3; plus strand). Cytogenetic location: 10q23.2.
Variant type: single nucleotide variant.
Coding change: c.1655G>T on transcript NM_007078.3 (MANE Select); coding-DNA position 1655, G replaced by T.
Protein change: p.Gly552Val; replaces glycine 552 with valine.
Molecular consequence: missense variant.
Genome position (GRCh38, 1-based): chr10:86,716,750, G>T. VCF-style: chr10-86716750-G-T. GRCh37 (hg19) VCF-style: chr10-88476507-G-T.
Other names: c.1325G>T, p.Gly442Val (NM_001080114.2); c.1670G>T, p.Gly557Val (NM_001171610.2); c.1466G>T, p.Gly489Val (NM_001368064.1, NM_001368065.1); c.1514G>T, p.Gly505Val (NM_001368066.1); short protein forms G442V, G552V, G557V, G489V, G505V.
Identifiers: ClinVar variation 3537681 (VCV003537681.1).

ClinVar aggregate classification (germline): Uncertain significance (1 of 4 stars; one submission).

Conditions:
Cardiovascular phenotype. Identifiers: MedGen CN230736.

gnomAD v4.1: 5 of 1,611,522 alleles (0.00031%); highest among the groups gnomAD compares: Admixed American, 0.0067%; no homozygotes.

Submission:

Ambry Genetics
Classification: Uncertain significance for Cardiovascular phenotype. Last evaluated: 2024-11-30. Review status: criteria provided, single submitter. Criteria: Ambry Variant Classification Scheme 2023. Collection method: clinical testing. Allele origin: germline.
Comment: The p.G552V variant (also known as c.1655G>T), located in coding exon 9 of the LDB3 gene, results from a G to T substitution at nucleotide position 1655. The glycine at codon 552 is replaced by valine, an amino acid with dissimilar properties. This amino acid position is conserved. In addition, the in silico prediction for this alteration is inconclusive. Based on the available evidence, the clinical significance of this variant remains unclear.